The following is an entry in ClinVar:

NM_000158.4(GBE1):c.1079C>T (p.Thr360Met)

Gene: GBE1 (1,4-alpha-glucan branching enzyme 1; minus strand). Cytogenetic location: 3p12.2.
Variant type: single nucleotide variant.
Coding change: c.1079C>T on transcript NM_000158.4 (MANE Select); coding-DNA position 1079, C replaced by T.
Protein change: p.Thr360Met; replaces threonine 360 with methionine.
Molecular consequence: missense variant.
Genome position (GRCh38, 1-based): chr3:81,593,937, G>A on the plus strand (C>T on the coding strand, the complement: GBE1 is on the minus strand). VCF-style: chr3-81593937-G-A. GRCh37 (hg19) VCF-style: chr3-81643088-G-A.
Other names: c.1079C>T (NM_000158.3); short protein forms T360M.
Identifiers: ClinVar variation 3366467 (VCV003366467.4).
Genomic context (GRCh38, chr3:81,593,937, plus strand): 5'-ACCCCAAACCTGATTATATCAGGTTACCTACCCACTCCATGGTGATGATAAAGCATGGAC[G>A]TAACACCATCAAAACGAAATCCATCAAAGCGATATTCTTCCAACCACCATCTTATGTTTG-3'
Protein context (NP_000149.4, residues 350-370): RFDGFRFDGV[Thr360Met]SMLYHHHGVG

ClinVar aggregate classification (germline): Conflicting classifications of pathogenicity. Review status: criteria provided, conflicting classifications (1 of 4 stars). 3 submissions from 3 submitters: Likely pathogenic (2); Uncertain significance (1). Last evaluated 2026-09-01.

Conditions:
Adult polyglucosan body disease (APBN). Also called: GBE1-Adult Polyglucosan Body Disease; POLYGLUCOSAN BODY DISEASE, ADULT FORM. Identifiers: Orphanet 206583, MedGen C1849722, MONDO:0009897, OMIM 263570.
Glycogen storage disease, type IV (GSD4). Also called: AMYLOPECTINOSIS; ANDERSEN DISEASE; BRANCHER DEFICIENCY; CIRRHOSIS, FAMILIAL, WITH DEPOSITION OF ABNORMAL GLYCOGEN; GBE1 DEFICIENCY; GLYCOGEN BRANCHING ENZYME DEFICIENCY. Identifiers: Orphanet 367, MedGen C0017923, MONDO:0009292, OMIM 232500.

Submissions (3):

GeneDx
Classification: Likely pathogenic. Last evaluated: 2026-09-01. Review status: criteria provided, single submitter. Criteria: GeneDx Variant Classification Process June 2021. Collection method: clinical testing. Allele origin: germline.
Comment: In silico analysis supports that this missense variant has a deleterious effect on protein structure/function; This variant is associated with the following publications: (PMID: 37598009)

Clinical Genomics Laboratory, Washington University in St. Louis
Classification: Likely pathogenic for Glycogen storage disease, type IV; Adult polyglucosan body disease. Last evaluated: 2025-11-30. Review status: criteria provided, single submitter. Criteria: ACMG Guidelines, 2015. Collection method: clinical testing. Allele origin: germline. Affected: yes.
Comment: The GBE1 c.1079C>T (p.Thr360Met) variant has been reported in one individual affected with a GBE1-related disorder presumed in trans to a pathogenic variant (Oliwa A et al, PMID: 37598009). This variant has been reported in the ClinVar database as a germline likely pathogenic variant by one submitter and a variant of uncertain significance by one submitter. This variant is only observed in 9/1,575,760 alleles in the general population (gnomAD v4.1.0), indicating it is not a common variant. Computational predictors indicate that the variant is damaging, evidence that correlates with impact to GBE1 function. Based on available information and the ACMG/AMP guidelines for variant interpretation (Richards S et al., PMID: 25741868), this variant is classified as likely pathogenic.

Women's Health and Genetics/Laboratory Corporation of America, LabCorp
Classification: Uncertain significance. Last evaluated: 2024-08-06. Review status: criteria provided, single submitter. Criteria: LabCorp Variant Classification Summary - May 2015. Collection method: clinical testing. Allele origin: germline.
Comment: Variant summary: GBE1 c.1079C>T (p.Thr360Met) results in a non-conservative amino acid change located in the Glycosyl hydrolase, family 13, catalytic domain (IPR006047) of the encoded protein sequence. Five of five in-silico tools predict a damaging effect of the variant on protein function. The frequency data for this variant in gnomAD is considered unreliable, as metrics indicate poor data quality at this position. c.1079C>T has been reported in the literature in an individual affected with Glycogen Storage Disease, Type IV (Oliwa_2023). These data do not allow any conclusion about variant significance. To our knowledge, no experimental evidence demonstrating an impact on protein function has been reported. No submitters have cited clinical-significance assessments for this variant to ClinVar. Based on the evidence outlined above, the variant was classified as uncertain significance.

Literature cited by the submitters: PubMed 37598009 (cited by Women's Health and Genetics/Laboratory Corporation of America, LabCorp).